The following is an entry in ClinVar:

NM_000535.7(PMS2):c.896C>G (p.Pro299Arg)

Gene: PMS2 (PMS1 homolog 2, mismatch repair system component; minus strand). Cytogenetic location: 7p22.1.
Variant type: single nucleotide variant.
Coding change: c.896C>G on transcript NM_000535.7 (MANE Select); coding-DNA position 896, C replaced by G.
Protein change: p.Pro299Arg; replaces proline 299 with arginine.
Molecular consequence: missense variant. On other transcripts: 5 prime UTR variant (2), non-coding transcript variant (1).
Genome position (GRCh38, 1-based): chr7:5,995,541, G>C on the plus strand (C>G on the coding strand, the complement: PMS2 is on the minus strand). VCF-style: chr7-5995541-G-C. GRCh37 (hg19) VCF-style: chr7-6035172-G-C.
Other names: c.491C>G, p.Pro164Arg (NM_001322003.2, NM_001322004.2, NM_001322005.2 and 2 more transcripts); c.896C>G, p.Pro299Arg (NM_001322006.2, NM_001322014.2); c.578C>G, p.Pro193Arg (NM_001322007.2, NM_001322008.2); c.-38C>G (NM_001322011.2, NM_001322012.2); c.323C>G, p.Pro108Arg (NM_001322013.2); c.587C>G, p.Pro196Arg (NM_001322015.2); short protein forms P299R, P108R, P196R, P164R, P193R.
Identifiers: ClinVar variation 1353258 (VCV001353258.6), dbSNP rs1402108044, ClinGen allele CA366743408.

ClinVar aggregate classification (germline): Uncertain significance (1 of 4 stars; one submission).

Conditions:
Hereditary nonpolyposis colorectal neoplasms. Identifiers: MedGen C0009405, MeSH D003123.

Allele frequency attached by ClinVar (database versions not stated): gnomAD exomes below 0.00001.
gnomAD v4.1: 1 of 1,610,686 alleles (0.000062%); highest among the groups gnomAD compares: African/African-American, 0.0013%; no homozygotes.

Submission:

Labcorp Genetics (formerly Invitae), Labcorp
Classification: Uncertain significance for Hereditary nonpolyposis colorectal neoplasms. Last evaluated: 2024-04-25. Review status: criteria provided, single submitter. Criteria: Invitae Variant Classification Sherloc (09022015). Collection method: clinical testing. Allele origin: germline.
Comment: This sequence change replaces proline, which is neutral and non-polar, with arginine, which is basic and polar, at codon 299 of the PMS2 protein (p.Pro299Arg). This variant is present in population databases (no rsID available, gnomAD 0.007%). This variant has not been reported in the literature in individuals affected with PMS2-related conditions. ClinVar contains an entry for this variant (Variation ID: 1353258). Advanced modeling of protein sequence and biophysical properties (such as structural, functional, and spatial information, amino acid conservation, physicochemical variation, residue mobility, and thermodynamic stability) performed at Invitae indicates that this missense variant is expected to disrupt PMS2 protein function with a positive predictive value of 80%. In summary, the available evidence is currently insufficient to determine the role of this variant in disease. Therefore, it has been classified as a Variant of Uncertain Significance.